The following is an entry in ClinVar:

NM_005787.6(ALG3):c.845C>T (p.Ala282Val)

Gene: ALG3 (ALG3 alpha-1,3- mannosyltransferase; minus strand). Cytogenetic location: 3q27.1.
Variant type: single nucleotide variant.
Coding change: c.845C>T on transcript NM_005787.6 (MANE Select); coding-DNA position 845, C replaced by T.
Protein change: p.Ala282Val; replaces alanine 282 with valine.
Molecular consequence: missense variant. On other transcripts: non-coding transcript variant (2).
Genome position (GRCh38, 1-based): chr3:184,243,878, G>A on the plus strand (C>T on the coding strand, the complement: ALG3 is on the minus strand). VCF-style: chr3-184243878-G-A. GRCh37 (hg19) VCF-style: chr3-183961666-G-A.
Other names: c.701C>T, p.Ala234Val (NM_001006941.2); short protein forms A282V, A234V.
Identifiers: ClinVar variation 344352 (VCV000344352.17), dbSNP rs2233466, ClinGen allele CA2729408.
Genomic context (GRCh38, chr3:184,243,878, plus strand): 5'-AGGAGCAGGGTGAGGTGGGCAGTCAACAGGGCCAGGTGGAAGGCTCGATGCAGGAAGAGC[G>A]CCTCTGGGAGGAAGCGCCAGTTCACTGTCCAGTGGAACAGAAACTGGCGGCCAAGGTCAA-3'
Protein context (NP_005778.1, residues 272-292): WTVNWRFLPE[Ala282Val]LFLHRAFHLA

ClinVar aggregate classification (germline): Conflicting classifications of pathogenicity. Review status: criteria provided, conflicting classifications (1 of 4 stars). 4 submissions from 4 submitters: Uncertain significance (2); Likely benign (1). 1 of the submissions does not count toward it. Last evaluated 2025-12-08.

Conditions:
ALG3-related disorder. Also called: ALG3-related condition.
ALG3-congenital disorder of glycosylation. Also called: CONGENITAL DISORDER OF GLYCOSYLATION, TYPE Id; CDG Id; CARBOHYDRATE-DEFICIENT GLYCOPROTEIN SYNDROME, TYPE IV; CDGS, TYPE IV; ALG3-CDG. Identifiers: Orphanet 79321, MedGen C1832736, MONDO:0010998, OMIM 601110.

Allele frequency attached by ClinVar (database versions not stated): gnomAD exomes 0.00023 and 0.00050; 1000 Genomes Project 30x 0.00047; ExAC 0.00048; 1000 Genomes Project 0.00060; gnomAD 0.00093 and 0.00102; ESP Exome Variant Server 0.00096; TOPMed 0.00109.
gnomAD v4.1: 503 of 1,614,008 alleles (0.031%); highest among the groups gnomAD compares: African/African-American, 0.28%; 1 homozygote.

Submissions (4):

Labcorp Genetics (formerly Invitae), Labcorp
Classification: Likely benign for ALG3-congenital disorder of glycosylation. Last evaluated: 2025-12-08. Review status: criteria provided, single submitter. Criteria: Invitae Variant Classification Sherloc (09022015). Collection method: clinical testing. Allele origin: germline.

Illumina Laboratory Services, Illumina
Classification: Uncertain significance for ALG3-congenital disorder of glycosylation. Last evaluated: 2018-01-12. Review status: criteria provided, single submitter. Criteria: ICSL Variant Classification Criteria 13 December 2019. Collection method: clinical testing. Allele origin: germline.

Center for Pediatric Genomic Medicine, Children's Mercy Hospital and Clinics
Classification: Uncertain significance. Last evaluated: 2017-07-19. Review status: criteria provided, single submitter. Criteria: ACMG Guidelines, 2015. Collection method: clinical testing. Allele origin: germline.

PreventionGenetics, part of Exact Sciences
Classification: Likely benign for ALG3-related condition. Last evaluated: 2022-02-28. Review status: no assertion criteria provided. Collection method: clinical testing. Allele origin: germline. Not counted in ClinVar's aggregate classification.
Comment: This variant is classified as likely benign based on ACMG/AMP sequence variant interpretation guidelines (Richards et al. 2015 PMID: 25741868, with internal and published modifications).